The following is an entry in ClinVar:

NM_000390.4(CHM):c.819G>T (p.Gln273His)

Gene: CHM (CHM Rab escort protein; minus strand). Cytogenetic location: Xq21.2.
Variant type: single nucleotide variant.
Coding change: c.819G>T on transcript NM_000390.4 (MANE Select); coding-DNA position 819, G replaced by T.
Protein change: p.Gln273His; replaces glutamine 273 with histidine.
Molecular consequence: missense variant.
Genome position (GRCh38, 1-based): chrX:85,958,861, C>A on the plus strand (G>T on the coding strand, the complement: CHM is on the minus strand). VCF-style: chrX-85958861-C-A. GRCh37 (hg19) VCF-style: chrX-85213866-C-A.
Other names: c.375G>T, p.Gln125His (NM_001320959.1, NM_001362517.1, NM_001362518.2 and 1 more transcripts); short protein forms Q125H, Q273H.
Identifiers: ClinVar variation 2737270 (VCV002737270.4), dbSNP rs2520260803, ClinGen allele CA413785943.

ClinVar aggregate classification (germline): Pathogenic (1 of 4 stars; one submission).

Submissions (2):

Labcorp Genetics (formerly Invitae), Labcorp
Classification: Pathogenic. Last evaluated: 2022-12-08. Review status: criteria provided, single submitter. Criteria: Invitae Variant Classification Sherloc (09022015). Collection method: clinical testing. Allele origin: germline.
Comment: For these reasons, this variant has been classified as Pathogenic. Variants that disrupt the consensus splice site are a relatively common cause of aberrant splicing (PMID: 17576681, 9536098). Algorithms developed to predict the effect of sequence changes on RNA splicing suggest that this variant may disrupt the consensus splice site. Algorithms developed to predict the effect of missense changes on protein structure and function are either unavailable or do not agree on the potential impact of this missense change (SIFT: "Tolerated"; PolyPhen-2: "Probably Damaging"; Align-GVGD: "Class C0"). This missense change has been observed in individual(s) with choroideremia (PMID: 27247961; Invitae). It has also been observed to segregate with disease in related individuals. This variant is not present in population databases (gnomAD no frequency). This sequence change replaces glutamine, which is neutral and polar, with histidine, which is basic and polar, at codon 273 of the CHM protein (p.Gln273His). This variant also falls at the last nucleotide of exon 6, which is part of the consensus splice site for this exon.

Dr. Peter K. Rogan Lab, Western University
No classification provided (evidence only). Condition: Thyroid cancer, nonmedullary, 1. Review status: no classification provided. Collection method: in vitro. Allele origin: not applicable. Functional consequence: retained intron. Not counted in ClinVar's aggregate classification.

Literature cited by the submitters: PubMed 17576681 (cited by Labcorp Genetics (formerly Invitae), Labcorp); PubMed 9536098 (cited by Labcorp Genetics (formerly Invitae), Labcorp); PubMed 27247961 (cited by Labcorp Genetics (formerly Invitae), Labcorp).